The following is an entry in ClinVar:

ClinVar aggregate classification (germline): Uncertain significance. Review status: criteria provided, multiple submitters, no conflicts (2 of 4 stars). 3 submissions from 3 submitters: Uncertain significance (3). Last evaluated 2023-04-24.

Conditions:
Charcot-Marie-Tooth disease axonal type 2S. Also called: CHARCOT-MARIE-TOOTH DISEASE, AXONAL, AUTOSOMAL RECESSIVE, TYPE 2S; CHARCOT-MARIE-TOOTH NEUROPATHY, TYPE 2S. Identifiers: Orphanet 443073, MedGen C4015349, MONDO:0014511, OMIM 616155.
Autosomal recessive distal spinal muscular atrophy 1. Also called: SEVERE INFANTILE AXONAL NEUROPATHY WITH RESPIRATORY FAILURE; SPINAL MUSCULAR ATROPHY, DIAPHRAGMATIC; Spinal muscular atrophy with respiratory distress 1; NEURONOPATHY, DISTAL HEREDITARY MOTOR, HARDING TYPE VI; NEUROPATHY, DISTAL HEREDITARY MOTOR, AUTOSOMAL RECESSIVE 1; HMN VI. Identifiers: Orphanet 98920, MedGen C1858517, MONDO:0011436, OMIM 604320.
Inborn genetic diseases. Identifiers: MedGen C0950123, MeSH D030342.

Allele frequency attached by ClinVar (database versions not stated): TOPMed 0.00004.
gnomAD v4.1: 50 of 1,611,756 alleles (0.0031%); highest among the groups gnomAD compares: East Asian, 0.027%; no homozygotes.

Submissions (3):

Ambry Genetics
Classification: Uncertain significance for Inborn genetic diseases. Last evaluated: 2023-04-24. Review status: criteria provided, single submitter. Criteria: Ambry Variant Classification Scheme 2023. Collection method: clinical testing. Allele origin: germline.

Labcorp Genetics (formerly Invitae), Labcorp
Classification: Uncertain significance for Autosomal recessive distal spinal muscular atrophy 1; Charcot-Marie-Tooth disease axonal type 2S. Last evaluated: 2022-03-03. Review status: criteria provided, single submitter. Criteria: Invitae Variant Classification Sherloc (09022015). Collection method: clinical testing. Allele origin: germline.
Comment: This sequence change replaces arginine, which is basic and polar, with cysteine, which is neutral and slightly polar, at codon 919 of the IGHMBP2 protein (p.Arg919Cys). This variant is present in population databases (rs145945230, gnomAD 0.03%). This variant has not been reported in the literature in individuals affected with IGHMBP2-related conditions. ClinVar contains an entry for this variant (Variation ID: 963617). Advanced modeling of protein sequence and biophysical properties (such as structural, functional, and spatial information, amino acid conservation, physicochemical variation, residue mobility, and thermodynamic stability) performed at Invitae indicates that this missense variant is not expected to disrupt IGHMBP2 protein function. In summary, the available evidence is currently insufficient to determine the role of this variant in disease. Therefore, it has been classified as a Variant of Uncertain Significance.

Revvity Omics, Revvity
Classification: Uncertain significance. Last evaluated: 2019-07-19. Review status: criteria provided, single submitter. Criteria: ACMG Guidelines, 2015. Collection method: clinical testing. Allele origin: germline.

NM_002180.3(IGHMBP2):c.2755C>T (p.Arg919Cys)

Gene: IGHMBP2 (immunoglobulin mu DNA binding protein 2; plus strand). Cytogenetic location: 11q13.3.
Variant type: single nucleotide variant.
Coding change: c.2755C>T on transcript NM_002180.3 (MANE Select); coding-DNA position 2755, C replaced by T.
Protein change: p.Arg919Cys; replaces arginine 919 with cysteine.
Molecular consequence: missense variant.
Genome position (GRCh38, 1-based): chr11:68,938,325, C>T. VCF-style: chr11-68938325-C-T. GRCh37 (hg19) VCF-style: chr11-68705793-C-T.
Other names: short protein forms R919C.
Identifiers: ClinVar variation 963617 (VCV000963617.12), dbSNP rs145945230, ClinGen allele CA6153996.